The following is an entry in ClinVar:

ClinVar aggregate classification (germline): Uncertain significance. Review status: criteria provided, single submitter (1 of 4 stars). 2 submissions from 1 submitter: Uncertain significance (2). Last evaluated 2021-03-25.

Conditions:
Immunodeficiency, common variable, 7. Identifiers: Orphanet 1572, Orphanet 696894, MedGen C3542922, MONDO:0013862, OMIM 614699.
Inflammatory bowel disease. Identifiers: Orphanet 104012, MedGen C0021390, MONDO:0005265.

Submissions (2):

Labcorp Genetics (formerly Invitae), Labcorp
Classification: Uncertain significance for Immunodeficiency, common variable, 7. Last evaluated: 2021-03-25. Review status: criteria provided, single submitter. Criteria: Invitae Variant Classification Sherloc (09022015). Collection method: clinical testing. Allele origin: germline.
Comment: In summary, the available evidence is currently insufficient to determine the role of this variant in disease. Therefore, it has been classified as a Variant of Uncertain Significance. Experimental studies and prediction algorithms are not available or were not evaluated, and the functional significance of this variant is currently unknown. This variant has not been reported in the literature in individuals with CR2-related conditions. A copy number gain of the genomic region encompassing the full coding sequence of the CR2 gene has been identified. The boundaries of this event are unknown as they extend beyond the assayed region for this gene and therefore may encompass additional genes. As the precise location of this event is unknown, it may be in tandem or it may be located elsewhere in the genome.

Labcorp Genetics (formerly Invitae), Labcorp
Classification: Uncertain significance for Inflammatory bowel disease. Last evaluated: 2021-03-25. Review status: criteria provided, single submitter. Criteria: Invitae Variant Classification Sherloc (09022015). Collection method: clinical testing. Allele origin: germline.
Comment: In summary, the available evidence is currently insufficient to determine the role of this variant in disease. Therefore, it has been classified as a Variant of Uncertain Significance. Experimental studies and prediction algorithms are not available or were not evaluated, and the functional significance of this variant is currently unknown. This variant has not been reported in the literature in individuals with IL10-related conditions. A copy number gain of the genomic region encompassing the full coding sequence of the IL10 gene has been identified. The boundaries of this event are unknown as they extend beyond the assayed region for this gene and therefore may encompass additional genes. As the precise location of this event is unknown, it may be in tandem or it may be located elsewhere in the genome.

NC_000001.10:g.(?_206941981)_(208391267_?)dup

Genes: C4BPA (complement component 4 binding protein alpha; plus strand), FCMR (Fc mu receptor; minus strand), IL10 (interleukin 10; minus strand), IL19 (interleukin 19; plus strand), IL20 (interleukin 20; plus strand) and 16 more. Cytogenetic location: 1q32.1-32.2.
Variant type: Duplication.
Identifiers: ClinVar variation 1409891 (VCV001409891.5).